The following is an entry in ClinVar:

NM_004415.4(DSP):c.8454C>G (p.Asn2818Lys)

Gene: DSP (desmoplakin; plus strand). Cytogenetic location: 6p24.3.
Variant type: single nucleotide variant.
Coding change: c.8454C>G on transcript NM_004415.4 (MANE Select); coding-DNA position 8454, C replaced by G.
Protein change: p.Asn2818Lys; replaces asparagine 2818 with lysine.
Molecular consequence: missense variant.
Genome position (GRCh38, 1-based): chr6:7,585,716, C>G. VCF-style: chr6-7585716-C-G. GRCh37 (hg19) VCF-style: chr6-7585949-C-G.
Other names: c.6657C>G, p.Asn2219Lys (NM_001008844.3); c.7125C>G, p.Asn2375Lys (NM_001319034.2); short protein forms N2375K, N2219K, N2818K.
Identifiers: ClinVar variation 4788523 (VCV004788523.1).
Genomic context (GRCh38, chr6:7,585,716, plus strand): 5'-TGGGCTGCGCCTTCTGGAAGCCGCCTCCGTGTCGTCCAAGGGCTTACCCAGCCCTTACAA[C>G]ATGTCTTCGGCTCCGGGGTCCCGCTCCGGCTCCCGCTCGGGATCTCGCTCCGGATCTCGC-3'
Protein context (NP_004406.2, residues 2808-2828): VSSKGLPSPY[Asn2818Lys]MSSAPGSRSG

ClinVar aggregate classification (germline): Uncertain significance (1 of 4 stars; one submission).

Conditions:
Arrhythmogenic right ventricular dysplasia 8 (ARVD8). Also called: Arrhythmogenic Right Ventricular Dysplasia/Cardiomyopathy 8; ARRHYTHMOGENIC RIGHT VENTRICULAR DYSPLASIA, FAMILIAL, 8; ARRHYTHMOGENIC RIGHT VENTRICULAR CARDIOMYOPATHY 8. Identifiers: MedGen C1843896, MONDO:0011831, OMIM 607450.
Arrhythmogenic cardiomyopathy with wooly hair and keratoderma. Also called: Arrhythmogenic cardiomyopathy with woolly hair and keratoderma; PALMOPLANTAR KERATODERMA WITH LEFT VENTRICULAR CARDIOMYOPATHY AND WOOLLY HAIR; Carvajal syndrome; Dilated cardiomyopathy with woolly hair and keratoderma. Identifiers: Orphanet 65282, MedGen C1854063, MONDO:0011581, OMIM 605676.

Submission:

Labcorp Genetics (formerly Invitae), Labcorp
Classification: Uncertain significance for Arrhythmogenic cardiomyopathy with wooly hair and keratoderma; Arrhythmogenic right ventricular dysplasia 8. Last evaluated: 2025-03-09. Review status: criteria provided, single submitter. Criteria: Invitae Variant Classification Sherloc (09022015). Collection method: clinical testing. Allele origin: germline.
Comment: This sequence change replaces asparagine, which is neutral and polar, with lysine, which is basic and polar, at codon 2818 of the DSP protein (p.Asn2818Lys). This variant is not present in population databases (gnomAD no frequency). This variant has not been reported in the literature in individuals affected with DSP-related conditions. An algorithm developed to predict the effect of missense changes on protein structure and function (PolyPhen-2) suggests that this variant is likely to be disruptive. In summary, the available evidence is currently insufficient to determine the role of this variant in disease. Therefore, it has been classified as a Variant of Uncertain Significance.